The following is an entry in ClinVar:

ClinVar aggregate classification (germline): Uncertain significance (1 of 4 stars; one submission).

Conditions:
Congenital contractures of the limbs and face, hypotonia, and developmental delay (CLIFAHDD). Identifiers: Orphanet 562528, MedGen C4225398, MONDO:0014556, OMIM 616266.
Hypotonia, infantile, with psychomotor retardation and characteristic facies 1 (INNFD). Identifiers: Orphanet 371364, Orphanet 700336, MedGen C3809454, MONDO:0024567, OMIM 615419.

Submission:

Juno Genomics, Hangzhou Juno Genomics, Inc
Classification: Uncertain significance for Congenital contractures of the limbs and face, hypotonia, and developmental delay; Hypotonia, infantile, with psychomotor retardation and characteristic facies 1. Review status: criteria provided, single submitter. Criteria: ACMG Guidelines, 2015. Collection method: clinical testing. Allele origin: germline.
Comment: Missense variant in a gene that has a low rate of benign missense variation.;Multiple lines of computational evidence support a deleterious effect on the gene or gene product.;Absent from controls (or at extremely low frequency if recessive) in Genome Aggregation Database.

NM_052867.4(NALCN):c.1369C>T (p.Leu457Phe)

Gene: NALCN (sodium leak channel, non-selective; minus strand). Cytogenetic location: 13q33.1.
Variant type: single nucleotide variant.
Coding change: c.1369C>T on transcript NM_052867.4 (MANE Select); coding-DNA position 1369, C replaced by T.
Protein change: p.Leu457Phe; replaces leucine 457 with phenylalanine.
Molecular consequence: missense variant.
Genome position (GRCh38, 1-based): chr13:101,237,820, G>A on the plus strand (C>T on the coding strand, the complement: NALCN is on the minus strand). VCF-style: chr13-101237820-G-A. GRCh37 (hg19) VCF-style: chr13-101890171-G-A.
Other names: c.1369C>T, p.Leu457Phe (NM_001350748.2, NM_001350749.2); c.1282C>T, p.Leu428Phe (NM_001350750.2, NM_001350751.2); short protein forms L428F, L457F.
Identifiers: ClinVar variation 5005214 (VCV005005214.2).